The following is an entry in ClinVar:

ClinVar aggregate classification (germline): Uncertain significance (1 of 4 stars; one submission).

Submission:

Labcorp Genetics (formerly Invitae), Labcorp
Classification: Uncertain significance. Last evaluated: 2019-12-02. Review status: criteria provided, single submitter. Criteria: Invitae Variant Classification Sherloc (09022015). Collection method: clinical testing. Allele origin: germline.
Comment: In summary, the available evidence is currently insufficient to determine the role of this variant in disease. Therefore, it has been classified as a Variant of Uncertain Significance. Algorithms developed to predict the effect of missense changes on protein structure and function are either unavailable or do not agree on the potential impact of this missense change (SIFT: "Tolerated"; PolyPhen-2: "Probably Damaging"; Align-GVGD: "Class C0"). This variant has not been reported in the literature in individuals with MTOR-related conditions. This variant is not present in population databases (ExAC no frequency). This sequence change replaces glutamic acid with glycine at codon 1845 of the MTOR protein (p.Glu1845Gly). The glutamic acid residue is moderately conserved and there is a moderate physicochemical difference between glutamic acid and glycine.

NM_004958.4(MTOR):c.5534A>G (p.Glu1845Gly)

Gene: MTOR (mechanistic target of rapamycin kinase; minus strand). Cytogenetic location: 1p36.22.
Variant type: single nucleotide variant.
Coding change: c.5534A>G on transcript NM_004958.4 (MANE Select); coding-DNA position 5534, A replaced by G.
Protein change: p.Glu1845Gly; replaces glutamic acid 1845 with glycine.
Molecular consequence: missense variant.
Genome position (GRCh38, 1-based): chr1:11,130,608, T>C on the plus strand (A>G on the coding strand, the complement: MTOR is on the minus strand). VCF-style: chr1-11130608-T-C. GRCh37 (hg19) VCF-style: chr1-11190665-T-C.
Other names: short protein forms E1845G.
Identifiers: ClinVar variation 854350 (VCV000854350.9), dbSNP rs1643094316, ClinGen allele CA338398351.